The following is an entry in ClinVar:

NM_001099922.3(ALG13):c.652A>G (p.Asn218Asp)

Gene: ALG13 (ALG13 UDP-N-acetylglucosaminyltransferase subunit; plus strand). Cytogenetic location: Xq23.
Variant type: single nucleotide variant.
Coding change: c.652A>G on transcript NM_001099922.3 (MANE Select); coding-DNA position 652, A replaced by G.
Protein change: p.Asn218Asp; replaces asparagine 218 with aspartic acid.
Molecular consequence: missense variant. On other transcripts: non-coding transcript variant (1).
Genome position (GRCh38, 1-based): chrX:111,708,295, A>G. VCF-style: chrX-111708295-A-G. GRCh37 (hg19) VCF-style: chrX-110951523-A-G.
Other names: c.340A>G, p.Asn114Asp (NM_001257230.2, NM_001257234.2, NM_001257237.2 and 1 more transcripts); c.418A>G, p.Asn140Asp (NM_001257231.2); c.652A>G, p.Asn218Asp (NM_001324292.2); short protein forms N218D, N140D, N114D.
Identifiers: ClinVar variation 283145 (VCV000283145.14), dbSNP rs886042566, ClinGen allele CA10604407.

ClinVar aggregate classification (germline): Uncertain significance. Review status: criteria provided, multiple submitters, no conflicts (2 of 4 stars). 4 submissions from 4 submitters: Uncertain significance (4). Last evaluated 2024-11-11.

Conditions:
Inborn genetic diseases. Identifiers: MedGen C0950123, MeSH D030342.
Developmental and epileptic encephalopathy, 36 (DEE36). Also called: Epileptic encephalopathy, early infantile, 36; Congenital disorder of glycosylation, type Is; ALG13-CDG. Identifiers: Orphanet 324422, MedGen C4317295, MONDO:0010472, OMIM 300884.

Allele frequency attached by ClinVar (database versions not stated): gnomAD 0.00001; gnomAD exomes 0.00001; TOPMed 0.00004.
gnomAD v4.1: 5 of 1,210,232 alleles (0.00041%); highest among the groups gnomAD compares: African/African-American, 0.0087%; no homozygotes.

Submissions (4):

Labcorp Genetics (formerly Invitae), Labcorp
Classification: Uncertain significance for Developmental and epileptic encephalopathy, 36. Last evaluated: 2024-11-11. Review status: criteria provided, single submitter. Criteria: Invitae Variant Classification Sherloc (09022015). Collection method: clinical testing. Allele origin: germline.
Comment: This sequence change replaces asparagine, which is neutral and polar, with aspartic acid, which is acidic and polar, at codon 218 of the ALG13 protein (p.Asn218Asp). This variant is present in population databases (no rsID available, gnomAD 0.02%). This variant has not been reported in the literature in individuals affected with ALG13-related conditions. ClinVar contains an entry for this variant (Variation ID: 283145). Invitae Evidence Modeling of protein sequence and biophysical properties (such as structural, functional, and spatial information, amino acid conservation, physicochemical variation, residue mobility, and thermodynamic stability) indicates that this missense variant is not expected to disrupt ALG13 protein function with a negative predictive value of 95%. In summary, the available evidence is currently insufficient to determine the role of this variant in disease. Therefore, it has been classified as a Variant of Uncertain Significance.

Fulgent Genetics
Classification: Uncertain significance for Developmental and epileptic encephalopathy, 36. Last evaluated: 2022-05-19. Review status: criteria provided, single submitter. Criteria: ACMG Guidelines, 2015. Collection method: clinical testing. Allele origin: unknown.

Ambry Genetics
Classification: Uncertain significance for Inborn genetic diseases. Last evaluated: 2018-06-13. Review status: criteria provided, single submitter. Criteria: Ambry Variant Classification Scheme 2023. Collection method: clinical testing. Allele origin: germline.
Comment: The p.N218D variant (also known as c.652A>G), located in coding exon 4 of the ALG13 gene, results from an A to G substitution at nucleotide position 652. The asparagine at codon 218 is replaced by aspartic acid, an amino acid with highly similar properties. This amino acid position is not well conserved in available vertebrate species. In addition, this alteration is predicted to be tolerated by in silico analysis. Since supporting evidence is limited at this time, the clinical significance of this alteration remains unclear.

Eurofins Ntd Llc (ga)
Classification: Uncertain significance. Last evaluated: 2015-09-22. Review status: criteria provided, single submitter. Criteria: EGL Classification Definitions 2015. Collection method: clinical testing. Allele origin: germline. Observed: 1 variant allele, 1 heterozygote.